The following is an entry in ClinVar:

ClinVar aggregate classification (germline): Uncertain significance. Review status: criteria provided, multiple submitters, no conflicts (2 of 4 stars). 2 submissions from 2 submitters: Uncertain significance (2). Last evaluated 2025-02-13.

Conditions:
Inborn genetic diseases. Identifiers: MedGen C0950123, MeSH D030342.

Allele frequency attached by ClinVar (database versions not stated): gnomAD 0.00001; TOPMed 0.00001; 1000 Genomes Project 0.00020; ExAC 0.00006; 1000 Genomes Project 30x 0.00016.
gnomAD v4.1: 23 of 1,511,938 alleles (0.0015%); highest among the groups gnomAD compares: Non-Finnish European, 0.0019%; no homozygotes.

Submissions (2):

Labcorp Genetics (formerly Invitae), Labcorp
Classification: Uncertain significance. Last evaluated: 2025-02-13. Review status: criteria provided, single submitter. Criteria: Invitae Variant Classification Sherloc (09022015). Collection method: clinical testing. Allele origin: germline.
Comment: This sequence change replaces glutamine, which is neutral and polar, with proline, which is neutral and non-polar, at codon 1159 of the DCHS1 protein (p.Gln1159Pro). This variant is present in population databases (rs200440963, gnomAD 0.007%). This variant has not been reported in the literature in individuals affected with DCHS1-related conditions. ClinVar contains an entry for this variant (Variation ID: 1968311). Invitae Evidence Modeling of protein sequence and biophysical properties (such as structural, functional, and spatial information, amino acid conservation, physicochemical variation, residue mobility, and thermodynamic stability) indicates that this missense variant is not expected to disrupt DCHS1 protein function with a negative predictive value of 80%. In summary, the available evidence is currently insufficient to determine the role of this variant in disease. Therefore, it has been classified as a Variant of Uncertain Significance.

Ambry Genetics
Classification: Uncertain significance for Inborn genetic diseases. Last evaluated: 2023-10-20. Review status: criteria provided, single submitter. Criteria: Ambry Variant Classification Scheme 2023. Collection method: clinical testing. Allele origin: germline.

NM_003737.4(DCHS1):c.3476A>C (p.Gln1159Pro)

Gene: DCHS1 (dachsous cadherin-related 1; minus strand). Cytogenetic location: 11p15.4.
Variant type: single nucleotide variant.
Coding change: c.3476A>C on transcript NM_003737.4 (MANE Select); coding-DNA position 3476, A replaced by C.
Protein change: p.Gln1159Pro; replaces glutamine 1159 with proline.
Molecular consequence: missense variant.
Genome position (GRCh38, 1-based): chr11:6,632,036, T>G on the plus strand (A>C on the coding strand, the complement: DCHS1 is on the minus strand). VCF-style: chr11-6632036-T-G. GRCh37 (hg19) VCF-style: chr11-6653267-T-G.
Other names: c.3476A>C (NM_003737.2); short protein forms Q1159P.
Identifiers: ClinVar variation 1968311 (VCV001968311.6), dbSNP rs200440963, ClinGen allele CA5860537.